The following is an entry in ClinVar:

NM_001206927.2(DNAH8):c.4004A>G (p.Asp1335Gly)

Gene: DNAH8 (dynein axonemal heavy chain 8; plus strand). Cytogenetic location: 6p21.2.
Variant type: single nucleotide variant.
Coding change: c.4004A>G on transcript NM_001206927.2 (MANE Select); coding-DNA position 4004, A replaced by G.
Protein change: p.Asp1335Gly; replaces aspartic acid 1335 with glycine.
Molecular consequence: missense variant.
Genome position (GRCh38, 1-based): chr6:38,826,312, A>G. VCF-style: chr6-38826312-A-G. GRCh37 (hg19) VCF-style: chr6-38794088-A-G.
Other names: c.3353A>G, p.Asp1118Gly (NM_001371.4); short protein forms D1118G, D1335G.
Identifiers: ClinVar variation 3707457 (VCV003707457.2).

ClinVar aggregate classification (germline): Uncertain significance (1 of 4 stars; one submission).

Conditions:
Primary ciliary dyskinesia. Also called: Ciliary dyskinesia. Identifiers: Orphanet 244, MedGen C0008780, MONDO:0016575, HP:0012265.

gnomAD v4.1: 4 of 1,613,680 alleles (0.00025%); highest among the groups gnomAD compares: South Asian, 0.0044%; no homozygotes.

Submission:

Labcorp Genetics (formerly Invitae), Labcorp
Classification: Uncertain significance for Primary ciliary dyskinesia. Last evaluated: 2025-01-20. Review status: criteria provided, single submitter. Criteria: Invitae Variant Classification Sherloc (09022015). Collection method: clinical testing. Allele origin: germline.
Comment: This sequence change replaces aspartic acid, which is acidic and polar, with glycine, which is neutral and non-polar, at codon 1335 of the DNAH8 protein (p.Asp1335Gly). This variant is present in population databases (rs773090243, gnomAD 0.003%). This variant has not been reported in the literature in individuals affected with DNAH8-related conditions. Invitae Evidence Modeling of protein sequence and biophysical properties (such as structural, functional, and spatial information, amino acid conservation, physicochemical variation, residue mobility, and thermodynamic stability) has been performed for this missense variant. However, the output from this modeling did not meet the statistical confidence thresholds required to predict the impact of this variant on DNAH8 protein function. In summary, the available evidence is currently insufficient to determine the role of this variant in disease. Therefore, it has been classified as a Variant of Uncertain Significance.